The following is an entry in ClinVar:

ClinVar aggregate classification (germline): Uncertain significance (1 of 4 stars; one submission).

Conditions:
Pitt-Hopkins-like syndrome 2 (PTHSL2). Identifiers: Orphanet 221150, Orphanet 600663, MedGen C3280479, MONDO:0013690, OMIM 614325.

gnomAD v4.1: 2 of 1,599,832 alleles (0.00013%); highest among the groups gnomAD compares: South Asian, 0.0011%; no homozygotes.

Submission:

Labcorp Genetics (formerly Invitae), Labcorp
Classification: Uncertain significance for Pitt-Hopkins-like syndrome 2. Last evaluated: 2024-02-08. Review status: criteria provided, single submitter. Criteria: Invitae Variant Classification Sherloc (09022015). Collection method: clinical testing. Allele origin: germline.
Comment: This sequence change replaces alanine, which is neutral and non-polar, with valine, which is neutral and non-polar, at codon 1288 of the NRXN1 protein (p.Ala1288Val). This variant is not present in population databases (gnomAD no frequency). This variant has not been reported in the literature in individuals affected with NRXN1-related conditions. ClinVar contains an entry for this variant (Variation ID: 1406537). An algorithm developed to predict the effect of missense changes on protein structure and function (PolyPhen-2) suggests that this variant is likely to be disruptive. In summary, the available evidence is currently insufficient to determine the role of this variant in disease. Therefore, it has been classified as a Variant of Uncertain Significance.

NM_001330078.2(NRXN1):c.3743C>T (p.Ala1248Val)

Gene: NRXN1 (neurexin 1; minus strand). Cytogenetic location: 2p16.3.
Variant type: single nucleotide variant.
Coding change: c.3743C>T on transcript NM_001330078.2 (MANE Select); coding-DNA position 3743, C replaced by T.
Protein change: p.Ala1248Val; replaces alanine 1248 with valine.
Molecular consequence: missense variant. On other transcripts: intron variant (8).
Genome position (GRCh38, 1-based): chr2:50,055,020, G>A on the plus strand (C>T on the coding strand, the complement: NRXN1 is on the minus strand). VCF-style: chr2-50055020-G-A. GRCh37 (hg19) VCF-style: chr2-50282158-G-A.
Other names: c.3863C>T, p.Ala1288Val (NM_001135659.3); c.3719C>T, p.Ala1240Val (NM_001330077.2, NM_001330082.2); c.3677C>T, p.Ala1226Val (NM_001330084.2); c.3716C>T, p.Ala1239Val (NM_001330085.2); c.3743C>T, p.Ala1248Val (NM_001330086.2); c.638C>T, p.Ala213Val (NM_001330091.2, NM_001330092.2); c.3740C>T, p.Ala1247Val (NM_001330093.2); c.3731C>T, p.Ala1244Val (NM_001330094.2); and 6 more; short protein forms A213V, A1226V, A1288V, A1239V, A1247V, A1248V, A1240V, A1244V.
Identifiers: ClinVar variation 1406537 (VCV001406537.6), dbSNP rs200331973, ClinGen allele CA346820162.